The following is an entry in ClinVar:

NC_000007.13:g.(?_6013030)_(6018337_?)del

Gene: PMS2 (PMS1 homolog 2, mismatch repair system component; minus strand). Cytogenetic location: 7p22.1.
Variant type: Deletion.
Identifiers: ClinVar variation 1436513 (VCV001436513.2).

ClinVar aggregate classification (germline): Pathogenic (1 of 4 stars; one submission).

Conditions:
Hereditary nonpolyposis colorectal neoplasms. Identifiers: MedGen C0009405, MeSH D003123.

Submission:

Labcorp Genetics (formerly Invitae), Labcorp
Classification: Pathogenic for Hereditary nonpolyposis colorectal neoplasms. Last evaluated: 2022-06-27. Review status: criteria provided, single submitter. Criteria: Invitae Variant Classification Sherloc (09022015). Collection method: clinical testing. Allele origin: germline.
Comment: This variant is a gross deletion of the genomic region encompassing exon(s) 13-15 of the PMS2 gene, which includes the termination codon. This deletion extends beyond the assayed region for this gene and therefore may encompass additional genes. While this deletion is not anticipated to lead to nonsense mediated decay, it is expected to alter mRNA translation or result in a truncated protein product. The frequency data for this variant in the population databases (gnomAD) is considered unreliable due to the presence of homologous sequence, such as pseudogenes or paralogs, in the genome. A similar copy number variant has been observed in individual(s) with Lynch syndrome (PMID: 21618646). This variant disrupts a region of the PMS2 protein in which other variant(s) (Exons 14-15 deletion) have been determined to be pathogenic (PMID: 21618646, 24440087, 26318770). This suggests that this is a clinically significant region of the protein, and that variants that disrupt it are likely to be disease-causing. For these reasons, this variant has been classified as Pathogenic.

Literature cited by the submitters: PubMed 21618646; PubMed 24440087; PubMed 26318770.